The following is an entry in ClinVar:

ClinVar aggregate classification (germline): Likely benign. Review status: criteria provided, multiple submitters, no conflicts (2 of 4 stars). 3 submissions from 3 submitters: Likely benign (2). 1 of the submissions does not count toward it. Last evaluated 2025-11-10.

Conditions:
CAPN5-related disorder. Also called: CAPN5-related condition.

Allele frequency attached by ClinVar (database versions not stated): gnomAD 0.00001 and 0.00003; gnomAD exomes 0.00003 and 0.00006; TOPMed 0.00003; ExAC 0.00006.
gnomAD v4.1: 46 of 1,613,112 alleles (0.0029%); highest among the groups gnomAD compares: South Asian, 0.04%; no homozygotes.

Submissions (3):

Labcorp Genetics (formerly Invitae), Labcorp
Classification: Likely benign. Last evaluated: 2025-11-10. Review status: criteria provided, single submitter. Criteria: Invitae Variant Classification Sherloc (09022015). Collection method: clinical testing. Allele origin: germline.

Blueprint Genetics
Classification: Likely benign. Last evaluated: 2023-12-15. Review status: criteria provided, single submitter. Criteria: ACMG Guidelines, 2015. Collection method: clinical testing. Allele origin: germline.

PreventionGenetics, part of Exact Sciences
Classification: Likely benign for CAPN5-related condition. Last evaluated: 2019-06-12. Review status: no assertion criteria provided. Collection method: clinical testing. Allele origin: germline. Not counted in ClinVar's aggregate classification.
Comment: This variant is classified as likely benign based on ACMG/AMP sequence variant interpretation guidelines (Richards et al. 2015 PMID: 25741868, with internal and published modifications).

NM_004055.5(CAPN5):c.960C>T (p.Asp320=)

Gene: CAPN5 (calpain 5; plus strand). Cytogenetic location: 11q13.5.
Variant type: single nucleotide variant.
Coding change: c.960C>T on transcript NM_004055.5 (MANE Select); coding-DNA position 960, C replaced by T.
Protein change: p.Asp320=; no amino-acid change (aspartic acid 320 retained).
Molecular consequence: synonymous variant.
Genome position (GRCh38, 1-based): chr11:77,116,292, C>T. VCF-style: chr11-77116292-C-T. GRCh37 (hg19) VCF-style: chr11-76827338-C-T.
Other names: c.960C>T (NM_004055.4).
Identifiers: ClinVar variation 1124693 (VCV001124693.12), dbSNP rs782454728, ClinGen allele CA6196615.